The following is an entry in ClinVar:

NM_002661.5(PLCG2):c.3185C>T (p.Thr1062Met)

Gene: PLCG2 (phospholipase C gamma 2; plus strand). Cytogenetic location: 16q23.3.
Variant type: single nucleotide variant.
Coding change: c.3185C>T on transcript NM_002661.5 (MANE Select); coding-DNA position 3185, C replaced by T.
Protein change: p.Thr1062Met; replaces threonine 1062 with methionine.
Molecular consequence: missense variant.
Genome position (GRCh38, 1-based): chr16:81,937,890, C>T. VCF-style: chr16-81937890-C-T. GRCh37 (hg19) VCF-style: chr16-81971495-C-T.
Other names: short protein forms T1062M.
Identifiers: ClinVar variation 850116 (VCV000850116.9), dbSNP rs767605816, ClinGen allele CA8194588.

ClinVar aggregate classification (germline): Uncertain significance (1 of 4 stars; one submission).

Conditions:
Familial cold autoinflammatory syndrome 3 (FCAS3). Also called: FAMILIAL ATYPICAL COLD URTICARIA; ANTIBODY DEFICIENCY AND IMMUNE DYSREGULATION, PLCG2-ASSOCIATED. Identifiers: Orphanet 300359, MedGen C3280914, MONDO:0013766, OMIM 614468.

Allele frequency attached by ClinVar (database versions not stated): gnomAD 0.00001; gnomAD exomes 0.00001; ExAC 0.00002; TOPMed 0.00002.
gnomAD v4.1: 20 of 1,613,924 alleles (0.0012%); highest among the groups gnomAD compares: Admixed American, 0.0017%; no homozygotes.

Submission:

Labcorp Genetics (formerly Invitae), Labcorp
Classification: Uncertain significance for Familial cold autoinflammatory syndrome 3. Last evaluated: 2025-06-17. Review status: criteria provided, single submitter. Criteria: Invitae Variant Classification Sherloc (09022015). Collection method: clinical testing. Allele origin: germline.
Comment: This sequence change replaces threonine, which is neutral and polar, with methionine, which is neutral and non-polar, at codon 1062 of the PLCG2 protein (p.Thr1062Met). This variant is present in population databases (rs767605816, gnomAD 0.004%). This variant has not been reported in the literature in individuals affected with PLCG2-related conditions. ClinVar contains an entry for this variant (Variation ID: 850116). An algorithm developed to predict the effect of missense changes on protein structure and function (PolyPhen-2) suggests that this variant is likely to be tolerated. In summary, the available evidence is currently insufficient to determine the role of this variant in disease. Therefore, it has been classified as a Variant of Uncertain Significance.